The following is an entry in ClinVar:

ClinVar aggregate classification (germline): Uncertain significance (1 of 4 stars; one submission).

Conditions:
Hereditary breast ovarian cancer syndrome. Also called: Hereditary breast and ovarian cancer; Hereditary breast and ovarian cancer syndrome (HBOC); Breast and ovarian cancer; Hereditary breast and ovarian cancer syndrome; Hereditary breast and/or ovarian cancer syndrome; BRCA1- and BRCA2-Associated Hereditary Breast and Ovarian Cancer. Identifiers: Orphanet 145, MedGen C0677776, MeSH D061325, MONDO:0003582. Disease mechanism: loss of function.

Submission:

Labcorp Genetics (formerly Invitae), Labcorp
Classification: Uncertain significance for Hereditary breast ovarian cancer syndrome. Last evaluated: 2023-08-07. Review status: criteria provided, single submitter. Criteria: Invitae Variant Classification Sherloc (09022015). Collection method: clinical testing. Allele origin: germline.
Comment: In summary, the available evidence is currently insufficient to determine the role of this variant in disease. Therefore, it has been classified as a Variant of Uncertain Significance. Variants that disrupt the consensus splice site are a relatively common cause of aberrant splicing (PMID: 17576681, 9536098). Algorithms developed to predict the effect of sequence changes on RNA splicing suggest that this variant is not likely to affect RNA splicing. This variant has not been reported in the literature in individuals affected with BRCA2-related conditions. This variant is not present in population databases (gnomAD no frequency). This sequence change falls in intron 18 of the BRCA2 gene. It does not directly change the encoded amino acid sequence of the BRCA2 protein. It affects a nucleotide within the consensus splice site.

Literature cited by the submitters: PubMed 17576681; PubMed 9536098.

NM_000059.4(BRCA2):c.8331+4A>C

Gene: BRCA2 (BRCA2 DNA repair associated; plus strand). Cytogenetic location: 13q13.1.
Variant type: single nucleotide variant.
Coding change: c.8331+4A>C on transcript NM_000059.4 (MANE Select); 4 bases into the intron after coding-DNA position 8331, A replaced by C.
Molecular consequence: intron variant.
Genome position (GRCh38, 1-based): chr13:32,363,537, A>C. VCF-style: chr13-32363537-A-C. GRCh37 (hg19) VCF-style: chr13-32937674-A-C.
Other names: c.8331+4A>C (NM_001406720.1); c.8235+4A>C (NM_001406719.1); c.3399+4A>C (NM_001406721.1); c.1914+4A>C (NM_001406722.1).
Identifiers: ClinVar variation 2958207 (VCV002958207.3), dbSNP rs2137583133, ClinGen allele CA2740097658.